The following is an entry in ClinVar:

NM_001378120.1(MBD5):c.5121A>T (p.Gln1707His)

Gene: MBD5 (methyl-CpG binding domain protein 5; plus strand). Cytogenetic location: 2q23.1.
Variant type: single nucleotide variant.
Coding change: c.5121A>T on transcript NM_001378120.1 (MANE Select); coding-DNA position 5121, A replaced by T.
Protein change: p.Gln1707His; replaces glutamine 1707 with histidine.
Molecular consequence: missense variant.
Genome position (GRCh38, 1-based): chr2:148,512,878, A>T. VCF-style: chr2-148512878-A-T. GRCh37 (hg19) VCF-style: chr2-149270447-A-T.
Other names: c.4422A>T, p.Gln1474His (NM_018328.5); short protein forms Q1474H, Q1707H.
Identifiers: ClinVar variation 3654377 (VCV003654377.2).

ClinVar aggregate classification (germline): Uncertain significance (1 of 4 stars; one submission).

Conditions:
Intellectual developmental disorder, autosomal dominant 1. Also called: MBD5 Haploinsufficiency; Intellectual disability, autosomal dominant 1. Identifiers: Orphanet 228402, MedGen C1969562, MONDO:0007974, OMIM 156200.

Submission:

Labcorp Genetics (formerly Invitae), Labcorp
Classification: Uncertain significance for Intellectual developmental disorder, autosomal dominant 1. Last evaluated: 2025-01-23. Review status: criteria provided, single submitter. Criteria: Invitae Variant Classification Sherloc (09022015). Collection method: clinical testing. Allele origin: germline.
Comment: This sequence change replaces glutamine, which is neutral and polar, with histidine, which is basic and polar, at codon 1474 of the MBD5 protein (p.Gln1474His). This variant is not present in population databases (gnomAD no frequency). This variant has not been reported in the literature in individuals affected with MBD5-related conditions. Experimental studies and prediction algorithms are not available or were not evaluated, and the functional significance of this variant is currently unknown. In summary, the available evidence is currently insufficient to determine the role of this variant in disease. Therefore, it has been classified as a Variant of Uncertain Significance.